The following is an entry in ClinVar:

NM_004006.3(DMD):c.831+5A>C

Gene: DMD (dystrophin; minus strand). Cytogenetic location: Xp21.1.
Variant type: single nucleotide variant.
Coding change: c.831+5A>C on transcript NM_004006.3 (MANE Select); 5 bases into the intron after coding-DNA position 831, A replaced by C.
Molecular consequence: intron variant.
Genome position (GRCh38, 1-based): chrX:32,699,107, T>G on the plus strand (A>C on the coding strand, the complement: DMD is on the minus strand). VCF-style: chrX-32699107-T-G. GRCh37 (hg19) VCF-style: chrX-32717224-T-G.
Other names: c.807+5A>C (NM_000109.4); c.819+5A>C (NM_004009.3); c.462+5A>C (NM_004010.3).
Identifiers: ClinVar variation 567267 (VCV000567267.11), dbSNP rs757088996, ClinGen allele CA10380067.

ClinVar aggregate classification (germline): Uncertain significance. Review status: criteria provided, single submitter (1 of 4 stars). 2 submissions from 2 submitters: Uncertain significance (1). 1 of the submissions does not count toward it. Last evaluated 2025-06-04.

Conditions:
Dystrophin deficiency.
Cardiomyopathy (CMYO). Also called: Cardiomyopathies. Identifiers: Orphanet 167848, MedGen C0878544, MONDO:0004994, HP:0001638. Inheritance: Various modes of inheritance.
Becker muscular dystrophy (BMD). Also called: Becker Muscular Dystrophy (BMD); MUSCULAR DYSTROPHY, PSEUDOHYPERTROPHIC PROGRESSIVE, BECKER TYPE. Identifiers: Orphanet 98895, MedGen C0917713, MONDO:0010311, OMIM 300376.
Duchenne muscular dystrophy (DMD). Also called: Duchenne Muscular Dystrophy (DMD); MUSCULAR DYSTROPHY, PSEUDOHYPERTROPHIC PROGRESSIVE, DUCHENNE TYPE. Identifiers: Orphanet 98896, MedGen C0013264, MONDO:0010679, OMIM 310200.

Allele frequency attached by ClinVar (database versions not stated): ExAC 0.00001; gnomAD exomes 0.00001.
gnomAD v4.1: 3 of 1,206,040 alleles (0.00025%); highest among the groups gnomAD compares: Non-Finnish European, 0.00034%; no homozygotes.

Submissions (2):

Labcorp Genetics (formerly Invitae), Labcorp
Classification: Uncertain significance for Duchenne muscular dystrophy. Last evaluated: 2025-06-04. Review status: criteria provided, single submitter. Criteria: Invitae Variant Classification Sherloc (09022015). Collection method: clinical testing. Allele origin: germline.
Comment: This sequence change falls in intron 8 of the DMD gene. It does not directly change the encoded amino acid sequence of the DMD protein. It affects a nucleotide within the consensus splice site. This variant is present in population databases (rs757088996, gnomAD 0.003%). This variant has not been reported in the literature in individuals affected with DMD-related conditions. ClinVar contains an entry for this variant (Variation ID: 567267). Variants that disrupt the consensus splice site are a relatively common cause of aberrant splicing (PMID: 17576681, 9536098). Algorithms developed to predict the effect of sequence changes on RNA splicing suggest that this variant is not likely to affect RNA splicing. In summary, the available evidence is currently insufficient to determine the role of this variant in disease. Therefore, it has been classified as a Variant of Uncertain Significance.

Natera, Inc.
Classification: Uncertain significance for Becker muscular dystrophy; Cardiomyopathy; Duchenne muscular dystrophy; Dystrophin deficiency. Last evaluated: 2018-12-24. Review status: no assertion criteria provided. Collection method: clinical testing. Allele origin: germline. Not counted in ClinVar's aggregate classification.

Literature cited by the submitters: PubMed 17576681 (cited by Labcorp Genetics (formerly Invitae), Labcorp); PubMed 9536098 (cited by Labcorp Genetics (formerly Invitae), Labcorp).